The following is an entry in ClinVar:

ClinVar aggregate classification (germline): Uncertain significance (1 of 4 stars; one submission).

Conditions:
Hereditary cancer-predisposing syndrome. Also called: Neoplastic Syndromes, Hereditary; Tumor predisposition; Hereditary neoplastic syndrome; Hereditary Cancer Syndrome. Identifiers: Orphanet 140162, MedGen C0027672, MeSH D009386, MONDO:0015356.

Submission:

Ambry Genetics
Classification: Uncertain significance for Hereditary cancer-predisposing syndrome. Last evaluated: 2026-06-25. Review status: criteria provided, single submitter. Criteria: Ambry Variant Classification Scheme 2023. Collection method: clinical testing. Allele origin: germline.
Comment: The p.G839R variant (also known as c.2515G>A), located in coding exon 22 of the POLE gene, results from a G to A substitution at nucleotide position 2515. The glycine at codon 839 is replaced by arginine, an amino acid with dissimilar properties. This amino acid position is conserved. In addition, this alteration is predicted to be deleterious by in silico analysis. Based on the available evidence, the clinical significance of this variant remains unclear.

NM_006231.4(POLE):c.2515G>A (p.Gly839Arg)

Gene: POLE (DNA polymerase epsilon, catalytic subunit; minus strand). Cytogenetic location: 12q24.33.
Variant type: single nucleotide variant.
Coding change: c.2515G>A on transcript NM_006231.4 (MANE Select); coding-DNA position 2515, G replaced by A.
Protein change: p.Gly839Arg; replaces glycine 839 with arginine.
Molecular consequence: missense variant.
Genome position (GRCh38, 1-based): chr12:132,664,416, C>T on the plus strand (G>A on the coding strand, the complement: POLE is on the minus strand). VCF-style: chr12-132664416-C-T. GRCh37 (hg19) VCF-style: chr12-133241002-C-T.
Other names: short protein forms G839R.
Identifiers: ClinVar variation 5027054 (VCV005027054.1).